The following is an entry in ClinVar:

NM_000051.4(ATM):c.8185C>G (p.Gln2729Glu)

Genes: ATM (ATM serine/threonine kinase; plus strand), C11orf65 (chromosome 11 open reading frame 65; minus strand). Cytogenetic location: 11q22.3.
Variant type: single nucleotide variant.
Coding change: c.8185C>G on transcript NM_000051.4 (MANE Select); coding-DNA position 8185, C replaced by G.
Protein change: p.Gln2729Glu; replaces glutamine 2729 with glutamic acid.
Molecular consequence: missense variant. On other transcripts: intron variant (2).
Genome position (GRCh38, 1-based): chr11:108,335,878, C>G. VCF-style: chr11-108335878-C-G. GRCh37 (hg19) VCF-style: chr11-108206605-C-G.
Other names: c.8185C>G, p.Gln2729Glu (NM_001351834.2); c.641-26807G>C (NM_001330368.2); c.695-586G>C (NM_001351110.2); short protein forms Q2729E.
Identifiers: ClinVar variation 855199 (VCV000855199.13), dbSNP rs587781967, ClinGen allele CA382562527.

ClinVar aggregate classification (germline): Uncertain significance. Review status: criteria provided, multiple submitters, no conflicts (2 of 4 stars). 3 submissions from 3 submitters: Uncertain significance (3). Last evaluated 2026-08-31.

Conditions:
ATM-related disorder. Also called: ATM-related disorders; ATM-related condition.
Hereditary cancer-predisposing syndrome. Also called: Tumor predisposition; Neoplastic Syndromes, Hereditary; Hereditary Cancer Syndrome; Hereditary neoplastic syndrome. Identifiers: Orphanet 140162, MedGen C0027672, MeSH D009386, MONDO:0015356.
Ataxia-telangiectasia syndrome (AT). Also called: ATAXIA-TELANGIECTASIA, COMPLEMENTATION GROUP A; ATAXIA-TELANGIECTASIA, FRESNO VARIANT; Ataxia-telangiectasia; Ataxia-telangiectasia, complementation group D; AT, COMPLEMENTATION GROUP C; Ataxia-telangiectasia, complementation group E. Identifiers: Orphanet 100, MedGen C0004135, MONDO:0008840, OMIM 208900.

Allele frequency attached by ClinVar (database versions not stated): TOPMed 0.00001.

Submissions (3):

PreventionGenetics, part of Exact Sciences
Classification: Uncertain significance for ATM-related condition. Last evaluated: 2026-08-31. Review status: criteria provided, single submitter. Criteria: ACMG Guidelines, 2015. Collection method: clinical testing. Allele origin: germline.
Comment: The ATM c.8185C>G variant is predicted to result in the amino acid substitution p.Gln2729Glu. To our knowledge, this variant has not been reported in the literature or in a large population database (gnomAD), indicating this variant is rare. It is interpreted as variant of uncertain significance in ClinVar (Variation ID: 855199). At this time, the clinical significance of this variant is uncertain due to the absence of conclusive functional and genetic evidence.

Ambry Genetics
Classification: Uncertain significance for Hereditary cancer-predisposing syndrome. Last evaluated: 2025-09-29. Review status: criteria provided, single submitter. Criteria: Ambry Variant Classification Scheme 2023. Collection method: clinical testing. Allele origin: germline.
Comment: The p.Q2729E variant (also known as c.8185C>G), located in coding exon 55 of the ATM gene, results from a C to G substitution at nucleotide position 8185. The glutamine at codon 2729 is replaced by glutamic acid, an amino acid with highly similar properties. This amino acid position is highly conserved in available vertebrate species. In addition, this alteration is predicted to be deleterious by in silico analysis. Since supporting evidence is limited at this time, the clinical significance of this alteration remains unclear.

Labcorp Genetics (formerly Invitae), Labcorp
Classification: Uncertain significance for Ataxia-telangiectasia syndrome. Last evaluated: 2019-04-04. Review status: criteria provided, single submitter. Criteria: Invitae Variant Classification Sherloc (09022015). Collection method: clinical testing. Allele origin: germline.
Comment: Algorithms developed to predict the effect of missense changes on protein structure and function (SIFT, PolyPhen-2, Align-GVGD) all suggest that this variant is likely to be disruptive, but these predictions have not been confirmed by published functional studies and their clinical significance is uncertain. In summary, the available evidence is currently insufficient to determine the role of this variant in disease. Therefore, it has been classified as a Variant of Uncertain Significance. This variant has not been reported in the literature in individuals with ATM-related conditions. This variant is not present in population databases (ExAC no frequency). This sequence change replaces glutamine with glutamic acid at codon 2729 of the ATM protein (p.Gln2729Glu). The glutamine residue is highly conserved and there is a small physicochemical difference between glutamine and glutamic acid.